The following is an entry in ClinVar:

ClinVar aggregate classification (germline): Pathogenic (1 of 4 stars; one submission).

Submission:

Labcorp Genetics (formerly Invitae), Labcorp
Classification: Pathogenic. Last evaluated: 2024-02-24. Review status: criteria provided, single submitter. Criteria: Invitae Variant Classification Sherloc (09022015). Collection method: clinical testing. Allele origin: germline.
Comment: This sequence change creates a premature translational stop signal (p.Pro164Argfs*9) in the RP1 gene. It is expected to result in an absent or disrupted protein product. Loss-of-function variants in RP1 are known to be pathogenic (PMID: 11960024, 19933189). This variant is not present in population databases (gnomAD no frequency). This variant has not been reported in the literature in individuals affected with RP1-related conditions. ClinVar contains an entry for this variant (Variation ID: 1430123). For these reasons, this variant has been classified as Pathogenic.

Literature cited by the submitters: PubMed 11960024; PubMed 19933189.

NM_006269.2(RP1):c.491del (p.Pro164fs)

Gene: RP1 (RP1 axonemal microtubule associated; plus strand). Cytogenetic location: 8q12.1.
Variant type: Deletion.
Coding change: c.491del on transcript NM_006269.2 (MANE Select); coding-DNA position 491, one base deleted (C; older notation c.491delC).
Protein change: p.Pro164fs; shifts the reading frame from proline 164.
Molecular consequence: frameshift variant.
Genome position (GRCh38, 1-based): chr8:54,621,457, C deleted; the last of 3 consecutive C bases (chr8:54,621,455-54,621,457); deleting any one gives the same sequence. VCF-style (leftmost placement, unchanged base first): chr8-54621454-AC-A. GRCh37 (hg19) VCF-style: chr8-55534014-AC-A.
Other names: c.491del, p.Pro164fs (NM_001375654.1); short protein forms P164fs.
Identifiers: ClinVar variation 1430123 (VCV001430123.6), dbSNP rs2129314434, ClinGen allele CA2573143213.
Genomic context (GRCh38, chr8:54,621,454, plus strand): 5'-CCGTCGCTGCTCCCGGCATGCCCCGCCCCCCACGGAGCCTAGTGGTCTTCAGGAATGGCG[AC>A]CCGAAGACGAGGCGTGCGGTTCTTCTGAGCAGGAGGGTCACCCAGAGCTTCGAGGCATTT-3'